The following is an entry in ClinVar:

NM_152703.5(SAMD9L):c.49G>A (p.Glu17Lys)

Gene: SAMD9L (sterile alpha motif domain containing 9 like; minus strand). Cytogenetic location: 7q21.2.
Variant type: single nucleotide variant.
Coding change: c.49G>A on transcript NM_152703.5 (MANE Select); coding-DNA position 49, G replaced by A.
Protein change: p.Glu17Lys; replaces glutamic acid 17 with lysine.
Molecular consequence: missense variant.
Genome position (GRCh38, 1-based): chr7:93,135,923, C>T on the plus strand (G>A on the coding strand, the complement: SAMD9L is on the minus strand). VCF-style: chr7-93135923-C-T. GRCh37 (hg19) VCF-style: chr7-92765236-C-T.
Other names: c.49G>A, p.Glu17Lys (NM_001303496.3, NM_001303497.3, NM_001303498.3 and 5 more transcripts); short protein forms E17K.
Identifiers: ClinVar variation 4826195 (VCV004826195.1).

ClinVar aggregate classification (germline): Uncertain significance (1 of 4 stars; one submission).

Conditions:
Inborn genetic diseases. Identifiers: MedGen C0950123, MeSH D030342.

Submission:

Ambry Genetics
Classification: Uncertain significance for Inborn genetic diseases. Last evaluated: 2026-03-12. Review status: criteria provided, single submitter. Criteria: Ambry Variant Classification Scheme 2023. Collection method: clinical testing. Allele origin: germline.
Comment: The p.E17K variant (also known as c.49G>A), located in coding exon 1 of the SAMD9L gene, results from a G to A substitution at nucleotide position 49. The glutamic acid at codon 17 is replaced by lysine, an amino acid with similar properties. This amino acid position is conserved. In addition, the in silico prediction for this alteration is inconclusive. Based on the available evidence, the clinical significance of this variant remains unclear.